The following is an entry in ClinVar:

NM_000141.5(FGFR2):c.1142A>G (p.Tyr381Cys)

Gene: FGFR2 (fibroblast growth factor receptor 2; minus strand). Cytogenetic location: 10q26.13.
Variant type: single nucleotide variant.
Coding change: c.1142A>G on transcript NM_000141.5 (MANE Select); coding-DNA position 1142, A replaced by G.
Protein change: p.Tyr381Cys; replaces tyrosine 381 with cysteine.
Molecular consequence: missense variant. On other transcripts: non-coding transcript variant (1), intron variant (1).
Genome position (GRCh38, 1-based): chr10:121,515,262, T>C on the plus strand (A>G on the coding strand, the complement: FGFR2 is on the minus strand). VCF-style: chr10-121515262-T-C. GRCh37 (hg19) VCF-style: chr10-123274776-T-C.
Other names: c.1145A>G, p.Tyr382Cys (NM_001144913.1, NM_022970.4); c.806A>G, p.Tyr269Cys (NM_001144914.1); c.875A>G, p.Tyr292Cys (NM_001144915.2, NM_023029.3); c.797A>G, p.Tyr266Cys (NM_001144916.2, NM_001144918.2); c.878A>G, p.Tyr293Cys (NM_001144919.2); c.458A>G, p.Tyr153Cys (NM_001320654.2); c.1142A>G, p.Tyr381Cys (NM_001320658.2); c.939+4717A>G (NM_001144917.2); short protein forms Y381C, Y382C, Y266C, Y292C, Y293C, Y153C, Y269C.
Identifiers: ClinVar variation 423481 (VCV000423481.2), dbSNP rs1064796452, ClinGen allele CA16618939.

ClinVar aggregate classification (germline): Likely pathogenic (1 of 4 stars; one submission).

Submission:

GeneDx
Classification: Likely pathogenic. Last evaluated: 2017-02-22. Review status: criteria provided, single submitter. Criteria: GeneDx Variant Classification (06012015). Collection method: clinical testing. Allele origin: germline. Affected: yes.
Comment: The Y381C variant in the FGFR2 gene has not been reported previously as a pathogenic variant, nor as a benign variant, to our knowledge. The Y381C variant is not observed in large population cohorts (Lek et al., 2016; 1000 Genomes Consortium et al., 2015; Exome Variant Server). The Y381C variant is a non-conservative amino acid substitution, which is likely to impact secondary protein structure as these residues differ in polarity, charge, size and/or other properties. This substitution occurs at a position that is conserved across species and is located within the helical transmembrane domain. In silico analysis predicts this variant is probably damaging to the protein structure/function. Missense variants in the same residue (Y381D, Y381N) have been reported previously in the heterozygous state in individuals with FGFR2-related disorders (Merrill et al., 2012; Collet et al., 2014). A missense variant in nearby residue (G384R) has been reported in the Human Gene Mutation Database in association with a FGFR2-related disorder (Stenson et al., 2014), supporting the functional importance of this region of the protein. The Y381C variant is a strong candidate for a pathogenic variant.